The following is an entry in ClinVar:

ClinVar aggregate classification (germline): Uncertain significance (1 of 4 stars; one submission).

Conditions:
Fanconi anemia (FA). Also called: Fanconi's anemia. Identifiers: Orphanet 84, MedGen C0015625, MeSH D005199, MONDO:0019391.

Submission:

Labcorp Genetics (formerly Invitae), Labcorp
Classification: Uncertain significance for Fanconi anemia. Last evaluated: 2022-11-10. Review status: criteria provided, single submitter. Criteria: Invitae Variant Classification Sherloc (09022015). Collection method: clinical testing. Allele origin: germline.
Comment: Advanced modeling of protein sequence and biophysical properties (such as structural, functional, and spatial information, amino acid conservation, physicochemical variation, residue mobility, and thermodynamic stability) performed at Invitae indicates that this missense variant is not expected to disrupt FANCI protein function. In summary, the available evidence is currently insufficient to determine the role of this variant in disease. Therefore, it has been classified as a Variant of Uncertain Significance. This variant has not been reported in the literature in individuals affected with FANCI-related conditions. This variant is not present in population databases (gnomAD no frequency). This sequence change replaces methionine, which is neutral and non-polar, with isoleucine, which is neutral and non-polar, at codon 205 of the FANCI protein (p.Met205Ile).

NM_001113378.2(FANCI):c.615G>C (p.Met205Ile)

Gene: FANCI (FA complementation group I; plus strand). Cytogenetic location: 15q26.1.
Variant type: single nucleotide variant.
Coding change: c.615G>C on transcript NM_001113378.2 (MANE Select); coding-DNA position 615, G replaced by C.
Protein change: p.Met205Ile; replaces methionine 205 with isoleucine.
Molecular consequence: missense variant.
Genome position (GRCh38, 1-based): chr15:89,263,972, G>C. VCF-style: chr15-89263972-G-C. GRCh37 (hg19) VCF-style: chr15-89807203-G-C.
Other names: c.336G>C, p.Met112Ile (NM_001376910.1); c.615G>C, p.Met205Ile (NM_001376911.1, NM_018193.3); short protein forms M205I, M112I.
Identifiers: ClinVar variation 2813275 (VCV002813275.3), dbSNP rs2505969587, ClinGen allele CA393739090.